The following is an entry in ClinVar:

ClinVar aggregate classification (germline): Pathogenic (1 of 4 stars; one submission).

Submission:

Labcorp Genetics (formerly Invitae), Labcorp
Classification: Pathogenic. Last evaluated: 2022-10-14. Review status: criteria provided, single submitter. Criteria: Invitae Variant Classification Sherloc (09022015). Collection method: clinical testing. Allele origin: germline.
Comment: For these reasons, this variant has been classified as Pathogenic. Algorithms developed to predict the effect of sequence changes on RNA splicing suggest that this variant may disrupt the consensus splice site. This variant has not been reported in the literature in individuals affected with PDZD7-related conditions. This variant is present in population databases (no rsID available, gnomAD 0.0009%). This sequence change creates a premature translational stop signal (p.Arg28Glufs*4) in the PDZD7 gene. It is expected to result in an absent or disrupted protein product. Loss-of-function variants in PDZD7 are known to be pathogenic (PMID: 20440071).

Literature cited by the submitters: PubMed 20440071.

NM_001195263.2(PDZD7):c.82del (p.Arg28fs)

Gene: PDZD7 (PDZ domain containing 7; minus strand). Cytogenetic location: 10q24.31.
Variant type: Deletion.
Coding change: c.82del on transcript NM_001195263.2 (MANE Select); coding-DNA position 82, one base deleted (C; older notation c.82delC).
Protein change: p.Arg28fs; shifts the reading frame from arginine 28.
Molecular consequence: frameshift variant.
Genome position (GRCh38, 1-based): chr10:101,030,138, G deleted on the plus strand (C on the coding strand, the reverse complement: PDZD7 is on the minus strand); the first of 3 consecutive G bases (chr10:101,030,138-101,030,140); deleting any one gives the same sequence. VCF-style (leftmost placement, unchanged base first): chr10-101030137-CG-C. GRCh37 (hg19) VCF-style: chr10-102789894-CG-C.
Other names: c.82del, p.Arg28fs (NM_001351044.2, NM_024895.5); short protein forms R28fs.
Identifiers: ClinVar variation 2001802 (VCV002001802.4), dbSNP rs1275663379, ClinGen allele CA595644415.